The following is an entry in ClinVar:

NM_078470.6(COX15):c.515G>A (p.Arg172Lys)

Gene: COX15 (cytochrome c oxidase assembly factor COX15; minus strand). Cytogenetic location: 10q24.2.
Variant type: single nucleotide variant.
Coding change: c.515G>A on transcript NM_078470.6 (MANE Select); coding-DNA position 515, G replaced by A.
Protein change: p.Arg172Lys; replaces arginine 172 with lysine.
Molecular consequence: missense variant. On other transcripts: 5 prime UTR variant (1), non-coding transcript variant (1).
Genome position (GRCh38, 1-based): chr10:99,727,035, C>T on the plus strand (G>A on the coding strand, the complement: COX15 is on the minus strand). VCF-style: chr10-99727035-C-T. GRCh37 (hg19) VCF-style: chr10-101486792-C-T.
Other names: c.515G>A, p.Arg172Lys (NM_001320974.2, NM_001320975.2, NM_001372024.1 and 5 more transcripts); c.-23G>A (NM_001320976.2); short protein forms R172K.
Identifiers: ClinVar variation 1954499 (VCV001954499.5), dbSNP rs751512832, ClinGen allele CA5642247.

ClinVar aggregate classification (germline): Uncertain significance (1 of 4 stars; one submission).

Allele frequency attached by ClinVar (database versions not stated): ExAC 0.00001; gnomAD exomes 0.00001.
gnomAD v4.1: 3 of 1,614,232 alleles (0.00019%); highest among the groups gnomAD compares: Admixed American, 0.0033%; no homozygotes.

Submission:

Labcorp Genetics (formerly Invitae), Labcorp
Classification: Uncertain significance. Last evaluated: 2024-02-24. Review status: criteria provided, single submitter. Criteria: Invitae Variant Classification Sherloc (09022015). Collection method: clinical testing. Allele origin: germline.
Comment: This sequence change replaces arginine, which is basic and polar, with lysine, which is basic and polar, at codon 172 of the COX15 protein (p.Arg172Lys). This variant is present in population databases (rs751512832, gnomAD 0.007%). This variant has not been reported in the literature in individuals affected with COX15-related conditions. ClinVar contains an entry for this variant (Variation ID: 1954499). Algorithms developed to predict the effect of missense changes on protein structure and function output the following: SIFT: "Not Available"; PolyPhen-2: "Benign"; Align-GVGD: "Not Available". The lysine amino acid residue is found in multiple mammalian species, which suggests that this missense change does not adversely affect protein function. In summary, the available evidence is currently insufficient to determine the role of this variant in disease. Therefore, it has been classified as a Variant of Uncertain Significance.